The following is an entry in ClinVar:

ClinVar aggregate classification (germline): Pathogenic. Review status: criteria provided, multiple submitters, no conflicts (2 of 4 stars). 2 submissions from 2 submitters: Pathogenic (2). Last evaluated 2024-06-20.

Conditions:
Joubert syndrome 15 (JBTS15). Identifiers: Orphanet 475, MedGen C3280897, MONDO:0013763, OMIM 614464.

Allele frequency attached by ClinVar (database versions not stated): gnomAD exomes 0.00001 and 0.00003; TOPMed 0.00001; ExAC 0.00003.
gnomAD v4.1: 9 of 1,613,736 alleles (0.00056%); highest among the groups gnomAD compares: Admixed American, 0.013%; no homozygotes.

Submissions (2):

Labcorp Genetics (formerly Invitae), Labcorp
Classification: Pathogenic for Joubert syndrome 15. Last evaluated: 2024-06-20. Review status: criteria provided, single submitter. Criteria: Invitae Variant Classification Sherloc (09022015). Collection method: clinical testing. Allele origin: germline.
Comment: This sequence change creates a premature translational stop signal (p.Gln140*) in the CEP41 gene. It is expected to result in an absent or disrupted protein product. Loss-of-function variants in CEP41 are known to be pathogenic (PMID: 22246503). This variant is present in population databases (rs781848162, gnomAD 0.02%). This variant has not been reported in the literature in individuals affected with CEP41-related conditions. ClinVar contains an entry for this variant (Variation ID: 280165). Algorithms developed to predict the effect of sequence changes on RNA splicing suggest that this variant may disrupt the consensus splice site. For these reasons, this variant has been classified as Pathogenic.

GeneDx
Classification: Pathogenic. Last evaluated: 2024-01-11. Review status: criteria provided, single submitter. Criteria: GeneDx Variant Classification Process June 2021. Collection method: clinical testing. Allele origin: germline. Affected: yes.
Comment: Nonsense variant predicted to result in protein truncation or nonsense mediated decay in a gene for which loss-of-function is a known mechanism of disease; Has not been previously published as pathogenic or benign to our knowledge

Literature cited by the submitters: PubMed 22246503 (cited by Labcorp Genetics (formerly Invitae), Labcorp).

NM_018718.3(CEP41):c.418C>T (p.Gln140Ter)

Gene: CEP41 (centrosomal protein 41; minus strand). Cytogenetic location: 7q32.2.
Variant type: single nucleotide variant.
Coding change: c.418C>T on transcript NM_018718.3 (MANE Select); coding-DNA position 418, C replaced by T.
Protein change: p.Gln140Ter; replaces glutamine 140 with a stop codon.
Molecular consequence: nonsense.
Genome position (GRCh38, 1-based): chr7:130,404,568, G>A on the plus strand (C>T on the coding strand, the complement: CEP41 is on the minus strand). VCF-style: chr7-130404568-G-A. GRCh37 (hg19) VCF-style: chr7-130044409-G-A.
Other names: c.418C>T, p.Gln140Ter (NM_001257158.2); c.370C>T, p.Gln124Ter (NM_001257159.2); short protein forms Q140*, Q124*.
Identifiers: ClinVar variation 280165 (VCV000280165.11), dbSNP rs781848162, ClinGen allele CA4485584.
Genomic context (GRCh38, chr7:130,404,568, plus strand): 5'-CGTCTAGATTAATATAAAGGCAAAATGCAGTGAAAATATGAATCAGCTTCGAGTACCTCT[G>A]AAGAGTTGAGCGGCTGGAGTCCCCTGCTCCTGCGTTGTTTATGAACTGCTCAGGGCTCGG-3'